The following is an entry in ClinVar:

NM_007294.4(BRCA1):c.92T>A (p.Ile31Asn)

Gene: BRCA1 (BRCA1 DNA repair associated; minus strand). Cytogenetic location: 17q21.31.
Variant type: single nucleotide variant.
Coding change: c.92T>A on transcript NM_007294.4 (MANE Select); coding-DNA position 92, T replaced by A.
Protein change: p.Ile31Asn; replaces isoleucine 31 with asparagine.
Molecular consequence: missense variant. On other transcripts: non-coding transcript variant (1), intron variant (1).
Genome position (GRCh38, 1-based): chr17:43,115,768, A>T on the plus strand (T>A on the coding strand, the complement: BRCA1 is on the minus strand). VCF-style: chr17-43115768-A-T. GRCh37 (hg19) VCF-style: chr17-41267785-A-T.
Other names: c.92T>A, p.Ile31Asn (NM_001407860.1, NM_001407861.1, NM_001407862.1 and 192 more transcripts); c.-97T>A (NM_001407879.1, NM_001407882.1, NM_001407884.1 and 52 more transcripts); c.-213T>A (NM_001407889.1, NM_001407900.1, NM_001408492.1); c.-50T>A (NM_001407920.1, NM_001407921.1, NM_001407922.1 and 47 more transcripts); c.-166T>A (NM_001407930.1, NM_001407942.1, NM_001408455.1 and 13 more transcripts); c.-212T>A (NM_001407960.1, NM_001407962.1, NM_001408510.1 and 1 more transcripts); c.-328T>A (NM_001407965.1); c.-170T>A (NM_001408465.1, NM_001407695.1); and 2 more; short protein forms I31N.
Identifiers: ClinVar variation 867476 (VCV000867476.8), dbSNP rs2055259689, ClinGen allele CA10601970.

ClinVar aggregate classification (germline): Uncertain significance (1 of 4 stars; one submission).

Conditions:
Hereditary breast ovarian cancer syndrome. Also called: Hereditary breast and/or ovarian cancer syndrome; BRCA1- and BRCA2-Associated Hereditary Breast and Ovarian Cancer; Hereditary breast and ovarian cancer syndrome; Hereditary breast and ovarian cancer; Hereditary breast and ovarian cancer syndrome (HBOC); Breast and ovarian cancer. Identifiers: Orphanet 145, MedGen C0677776, MeSH D061325, MONDO:0003582. Disease mechanism: loss of function.

Submissions (2):

Labcorp Genetics (formerly Invitae), Labcorp
Classification: Uncertain significance for Hereditary breast ovarian cancer syndrome. Last evaluated: 2023-08-16. Review status: criteria provided, single submitter. Criteria: Invitae Variant Classification Sherloc (09022015). Collection method: clinical testing. Allele origin: germline.
Comment: This variant is not present in population databases (gnomAD no frequency). This sequence change replaces isoleucine, which is neutral and non-polar, with asparagine, which is neutral and polar, at codon 31 of the BRCA1 protein (p.Ile31Asn). Advanced modeling of protein sequence and biophysical properties (such as structural, functional, and spatial information, amino acid conservation, physicochemical variation, residue mobility, and thermodynamic stability) performed at Invitae indicates that this missense variant is not expected to disrupt BRCA1 protein function. Experimental studies are conflicting or provide insufficient evidence to determine the effect of this variant on BRCA1 function (PMID: 30209399). In summary, the available evidence is currently insufficient to determine the role of this variant in disease. Therefore, it has been classified as a Variant of Uncertain Significance. ClinVar contains an entry for this variant (Variation ID: 867476). This missense change has been observed in individual(s) with a personal and/or family history of breast and/or ovarian cancer (PMID: 21120943).

Brotman Baty Institute, University of Washington
No classification provided (evidence only). Condition: Breast-ovarian cancer, familial 1. Review status: no classification provided. Collection method: in vitro. Allele origin: not applicable. Functional consequence: function_uncertain_variant. Not counted in ClinVar's aggregate classification.
ClinVar note: "not provided" was previously submitted as the classification for the variant. However, the classification appeared to be based only on an observation of functional data so it was converted to no classification on 2025-07-30.

Literature cited by the submitters: PubMed 30209399 (cited by Labcorp Genetics (formerly Invitae), Labcorp); PubMed 21120943 (cited by Labcorp Genetics (formerly Invitae), Labcorp).